The following is an entry in ClinVar:

ClinVar aggregate classification (germline): Pathogenic (1 of 4 stars; one submission).

Submission:

Ambry Genetics
Classification: Pathogenic. Last evaluated: 2026-05-29. Review status: criteria provided, single submitter. Criteria: Ambry Variant Classification Scheme 2023. Collection method: clinical testing. Allele origin: germline.
Comment: The p.Q842* variant (also known as c.2524C>T), located in coding exon 1 of the MLH3 gene, results from a C to T substitution at nucleotide position 2524. This changes the amino acid from a glutamine to a stop codon within coding exon 1. This variant is considered to be rare based on population cohorts in the Genome Aggregation Database (gnomAD). This alteration is expected to result in loss of function by premature protein truncation or nonsense-mediated mRNA decay. As such, this alteration is interpreted as a disease-causing mutation.

NM_001040108.2(MLH3):c.2524C>T (p.Gln842Ter)

Gene: MLH3 (mutL homolog 3; minus strand). Cytogenetic location: 14q24.3.
Variant type: single nucleotide variant.
Coding change: c.2524C>T on transcript NM_001040108.2 (MANE Select); coding-DNA position 2524, C replaced by T.
Protein change: p.Gln842Ter; replaces glutamine 842 with a stop codon.
Molecular consequence: nonsense.
Genome position (GRCh38, 1-based): chr14:75,047,132, G>A on the plus strand (C>T on the coding strand, the complement: MLH3 is on the minus strand). VCF-style: chr14-75047132-G-A. GRCh37 (hg19) VCF-style: chr14-75513835-G-A.
Other names: c.2524C>T, p.Gln842Ter (NM_014381.3); short protein forms Q842*.
Identifiers: ClinVar variation 3232487 (VCV003232487.2), dbSNP rs2139561015, ClinGen allele CA390440006.
Genomic context (GRCh38, chr14:75,047,132, plus strand): 5'-TTCTATTAAAGAGAGATAACTCCTTCAGGGTCATAGGACTTTCTCTCAAACTAGGCATCT[G>A]TTGTTCTAAACAATCTTCATCCTTGGAGAATGGAAACTTCTCTGAGTTAAGGATGTGGCT-3'